The following is an entry in ClinVar:

NC_000009.11:g.(?_123787712)_(123787878_?)dup

Gene: C5 (complement C5; minus strand). Cytogenetic location: 9q33.2.
Variant type: Duplication.
Identifiers: ClinVar variation 2424223 (VCV002424223.4).

ClinVar aggregate classification (germline): Likely pathogenic (1 of 4 stars; one submission).

Submission:

Labcorp Genetics (formerly Invitae), Labcorp
Classification: Likely pathogenic. Last evaluated: 2022-02-22. Review status: criteria provided, single submitter. Criteria: Invitae Variant Classification Sherloc (09022015). Collection method: clinical testing. Allele origin: germline.
Comment: In summary, the currently available evidence indicates that the variant is pathogenic, but additional data are needed to prove that conclusively. Therefore, this variant has been classified as Likely Pathogenic. This variant has not been reported in the literature in individuals affected with C5-related conditions. This variant results in a copy number gain of the genomic region encompassing exon(s) 9 of the C5 gene. While the exact position of this variant cannot be determined from the data, sub-genic copy number gains are generally in tandem (PMID: 25640679). This variant is predicted to be out-of-frame, and may result in an absent or disrupted protein product. Loss-of-function variants in C5 are known to be pathogenic (PMID: 7730648, 19414197, 27026170).

Literature cited by the submitters: PubMed 25640679; PubMed 7730648; PubMed 19414197; PubMed 27026170.